The following is an entry in ClinVar:

ClinVar aggregate classification (germline): Likely pathogenic (1 of 4 stars; one submission).

Submission:

GeneDx
Classification: Likely pathogenic. Last evaluated: 2015-10-17. Review status: criteria provided, single submitter. Criteria: GeneDx Variant Classification (06012015). Collection method: clinical testing. Allele origin: germline. Affected: yes.
Comment: The K19Q variant in the TUBB2B gene has not been published as a pathogenic variant, nor has it been reported as a benign polymorphism to our knowledge. This variant was not observed in approximately 6500 individuals of European and African American ancestry in the NHLBI Exome Sequencing Project, indicating it is not a common benign variant in these populations. The K19Q variant is a semi-conservative amino acid substitution, which may impact secondary protein structure as these residues differ in some properties. This substitution occurs at a position that is conserved across species, and in silico analysis predicts this variant is probably damaging to the protein structure/function. The K19Q variant is a strong candidate for a pathogenic variant; however, the possibility it may be a rare benign variant cannot be excluded.

NM_178012.5(TUBB2B):c.55A>C (p.Lys19Gln)

Gene: TUBB2B (tubulin beta 2B class IIb; minus strand). Cytogenetic location: 6p25.2.
Variant type: single nucleotide variant.
Coding change: c.55A>C on transcript NM_178012.5 (MANE Select); coding-DNA position 55, A replaced by C.
Protein change: p.Lys19Gln; replaces lysine 19 with glutamine.
Molecular consequence: missense variant.
Genome position (GRCh38, 1-based): chr6:3,227,489, T>G on the plus strand (A>C on the coding strand, the complement: TUBB2B is on the minus strand). VCF-style: chr6-3227489-T-G. GRCh37 (hg19) VCF-style: chr6-3227723-T-G.
Other names: short protein forms K19Q.
Identifiers: ClinVar variation 372699 (VCV000372699.1), dbSNP rs1057517932, ClinGen allele CA16042649.